The following is an entry in ClinVar:

NM_002661.5(PLCG2):c.713C>T (p.Ala238Val)

Gene: PLCG2 (phospholipase C gamma 2; plus strand). Cytogenetic location: 16q23.3.
Variant type: single nucleotide variant.
Coding change: c.713C>T on transcript NM_002661.5 (MANE Select); coding-DNA position 713, C replaced by T.
Protein change: p.Ala238Val; replaces alanine 238 with valine.
Molecular consequence: missense variant.
Genome position (GRCh38, 1-based): chr16:81,883,289, C>T. VCF-style: chr16-81883289-C-T. GRCh37 (hg19) VCF-style: chr16-81916894-C-T.
Other names: short protein forms A238V.
Identifiers: ClinVar variation 2142678 (VCV002142678.4), dbSNP rs1156637476, ClinGen allele CA396908163.

ClinVar aggregate classification (germline): Uncertain significance (1 of 4 stars; one submission).

Conditions:
Familial cold autoinflammatory syndrome 3 (FCAS3). Also called: ANTIBODY DEFICIENCY AND IMMUNE DYSREGULATION, PLCG2-ASSOCIATED; FAMILIAL ATYPICAL COLD URTICARIA. Identifiers: Orphanet 300359, MedGen C3280914, MONDO:0013766, OMIM 614468.

Allele frequency attached by ClinVar (database versions not stated): gnomAD 0.00001; gnomAD exomes 0.00001; TOPMed 0.00003.

Submission:

Labcorp Genetics (formerly Invitae), Labcorp
Classification: Uncertain significance for Familial cold autoinflammatory syndrome 3. Last evaluated: 2025-09-30. Review status: criteria provided, single submitter. Criteria: Invitae Variant Classification Sherloc (09022015). Collection method: clinical testing. Allele origin: germline.
Comment: This sequence change replaces alanine, which is neutral and non-polar, with valine, which is neutral and non-polar, at codon 238 of the PLCG2 protein (p.Ala238Val). This variant is present in population databases (no rsID available, gnomAD 0.02%). This variant has not been reported in the literature in individuals affected with PLCG2-related conditions. ClinVar contains an entry for this variant (Variation ID: 2142678). An algorithm developed to predict the effect of missense changes on protein structure and function (PolyPhen-2) suggests that this variant is likely to be disruptive. In summary, the available evidence is currently insufficient to determine the role of this variant in disease. Therefore, it has been classified as a Variant of Uncertain Significance.